The following is an entry in ClinVar:

NM_182914.3(SYNE2):c.10724A>C (p.Lys3575Thr)

Gene: SYNE2 (spectrin repeat containing nuclear envelope protein 2; plus strand). Cytogenetic location: 14q23.2.
Variant type: single nucleotide variant.
Coding change: c.10724A>C on transcript NM_182914.3 (MANE Select); coding-DNA position 10724, A replaced by C.
Protein change: p.Lys3575Thr; replaces lysine 3575 with threonine.
Molecular consequence: missense variant.
Genome position (GRCh38, 1-based): chr14:64,073,994, A>C. VCF-style: chr14-64073994-A-C. GRCh37 (hg19) VCF-style: chr14-64540712-A-C.
Other names: c.10724A>C, p.Lys3575Thr (NM_015180.6); short protein forms K3575T.
Identifiers: ClinVar variation 2049308 (VCV002049308.9), dbSNP rs777273052, ClinGen allele CA7221600.

ClinVar aggregate classification (germline): Uncertain significance. Review status: criteria provided, multiple submitters, no conflicts (2 of 4 stars). 3 submissions from 3 submitters: Uncertain significance (3). Last evaluated 2025-06-30.

Conditions:
Emery-Dreifuss muscular dystrophy 5, autosomal dominant (EDMD5). Also called: EMERY-DREIFUSS MUSCULAR DYSTROPHY 5. Identifiers: Orphanet 261, MedGen C2751805, MONDO:0013072, OMIM 612999.

Allele frequency attached by ClinVar (database versions not stated): TOPMed below 0.00001; gnomAD exomes 0.00001; ExAC 0.00002.
gnomAD v4.1: 8 of 1,614,218 alleles (0.0005%); highest among the groups gnomAD compares: Admixed American, 0.012%; no homozygotes.

Submissions (3):

Ambry Genetics
Classification: Uncertain significance. Last evaluated: 2025-06-30. Review status: criteria provided, single submitter. Criteria: Ambry Variant Classification Scheme 2023. Collection method: clinical testing. Allele origin: germline.

Labcorp Genetics (formerly Invitae), Labcorp
Classification: Uncertain significance for Emery-Dreifuss muscular dystrophy 5, autosomal dominant. Last evaluated: 2022-11-04. Review status: criteria provided, single submitter. Criteria: Invitae Variant Classification Sherloc (09022015). Collection method: clinical testing. Allele origin: germline.
Comment: This sequence change replaces lysine, which is basic and polar, with threonine, which is neutral and polar, at codon 3575 of the SYNE2 protein (p.Lys3575Thr). In summary, the available evidence is currently insufficient to determine the role of this variant in disease. Therefore, it has been classified as a Variant of Uncertain Significance. Algorithms developed to predict the effect of missense changes on protein structure and function are either unavailable or do not agree on the potential impact of this missense change (SIFT: "Deleterious"; PolyPhen-2: "Possibly Damaging"; Align-GVGD: "Class C0"). This variant has not been reported in the literature in individuals affected with SYNE2-related conditions. This variant is present in population databases (rs777273052, gnomAD 0.01%).

Revvity Omics, Revvity
Classification: Uncertain significance for Emery-Dreifuss muscular dystrophy 5, autosomal dominant. Last evaluated: 2019-05-09. Review status: criteria provided, single submitter. Criteria: ACMG Guidelines, 2015. Collection method: clinical testing. Allele origin: germline.